The following is an entry in ClinVar:

NM_000486.6(AQP2):c.13C>T (p.Arg5Cys)

Gene: AQP2 (aquaporin 2; plus strand). Cytogenetic location: 12q13.12.
Variant type: single nucleotide variant.
Coding change: c.13C>T on transcript NM_000486.6 (MANE Select); coding-DNA position 13, C replaced by T.
Protein change: p.Arg5Cys; replaces arginine 5 with cysteine.
Molecular consequence: missense variant.
Genome position (GRCh38, 1-based): chr12:49,950,843, C>T. VCF-style: chr12-49950843-C-T. GRCh37 (hg19) VCF-style: chr12-50344626-C-T.
Other names: short protein forms R5C.
Identifiers: ClinVar variation 2174094 (VCV002174094.3), dbSNP rs772585705, ClinGen allele CA6559124.

ClinVar aggregate classification (germline): Uncertain significance. Review status: criteria provided, multiple submitters, no conflicts (2 of 4 stars). 2 submissions from 2 submitters: Uncertain significance (2). Last evaluated 2025-06-12.

Conditions:
Diabetes insipidus, nephrogenic, autosomal (NDI2). Also called: Nephrogenic Diabetes Insipidus, Type II; Diabetes insipidus, nephrogenic, 2, autosomal. Identifiers: Orphanet 223, MedGen C1563706, MONDO:0007451, OMIM 125800.

Allele frequency attached by ClinVar (database versions not stated): TOPMed below 0.00001; ExAC 0.00001; gnomAD 0.00001; gnomAD exomes 0.00002.

Submissions (2):

Labcorp Genetics (formerly Invitae), Labcorp
Classification: Uncertain significance. Last evaluated: 2025-06-12. Review status: criteria provided, single submitter. Criteria: Invitae Variant Classification Sherloc (09022015). Collection method: clinical testing. Allele origin: germline.
Comment: This sequence change replaces arginine, which is basic and polar, with cysteine, which is neutral and slightly polar, at codon 5 of the AQP2 protein (p.Arg5Cys). This variant is present in population databases (rs772585705, gnomAD 0.0009%). This variant has not been reported in the literature in individuals affected with AQP2-related conditions. ClinVar contains an entry for this variant (Variation ID: 2174094). An algorithm developed to predict the effect of missense changes on protein structure and function (PolyPhen-2) suggests that this variant is likely to be tolerated. In summary, the available evidence is currently insufficient to determine the role of this variant in disease. Therefore, it has been classified as a Variant of Uncertain Significance.

Fulgent Genetics
Classification: Uncertain significance for Diabetes insipidus, nephrogenic, autosomal. Last evaluated: 2024-01-31. Review status: criteria provided, single submitter. Criteria: ACMG Guidelines, 2015. Collection method: clinical testing. Allele origin: germline.